The following is an entry in ClinVar:

ClinVar aggregate classification (germline): Conflicting classifications of pathogenicity. Review status: criteria provided, conflicting classifications (1 of 4 stars). 3 submissions from 3 submitters: Uncertain significance (2); Likely benign (1). Last evaluated 2025-10-29.

Conditions:
Smith-Magenis syndrome (SMS). Also called: CHROMOSOME 17p11.2 DELETION SYNDROME. Identifiers: Orphanet 819, MedGen C0795864, MONDO:0008434, OMIM 182290.
RAI1-related disorder. Also called: RAI1-related condition.

Submissions (3):

Labcorp Genetics (formerly Invitae), Labcorp
Classification: Uncertain significance. Last evaluated: 2025-10-29. Review status: criteria provided, single submitter. Criteria: Invitae Variant Classification Sherloc (09022015). Collection method: clinical testing. Allele origin: germline.
Comment: This sequence change replaces serine, which is neutral and polar, with isoleucine, which is neutral and non-polar, at codon 39 of the RAI1 protein (p.Ser39Ile). This variant is not present in population databases (gnomAD no frequency). This variant has not been reported in the literature in individuals affected with RAI1-related conditions. ClinVar contains an entry for this variant (Variation ID: 1475952). Invitae Evidence Modeling of protein sequence and biophysical properties (such as structural, functional, and spatial information, amino acid conservation, physicochemical variation, residue mobility, and thermodynamic stability) indicates that this missense variant is not expected to disrupt RAI1 protein function with a negative predictive value of 80%. In summary, the available evidence is currently insufficient to determine the role of this variant in disease. Therefore, it has been classified as a Variant of Uncertain Significance.

PreventionGenetics, part of Exact Sciences
Classification: Uncertain significance for RAI1-related condition. Last evaluated: 2024-12-12. Review status: criteria provided, single submitter. Criteria: ACMG Guidelines, 2015. Collection method: clinical testing. Allele origin: germline.
Comment: The RAI1 c.116G>T variant is predicted to result in the amino acid substitution p.Ser39Ile. To our knowledge, this variant has not been reported in the literature or in a large population database (gnomAD), indicating this variant is rare. At this time, the clinical significance of this variant is uncertain due to the absence of conclusive functional and genetic evidence.

3billion
Classification: Likely benign for Smith-Magenis syndrome. Last evaluated: 2024-09-20. Review status: criteria provided, single submitter. Criteria: ACMG Guidelines, 2015. Collection method: clinical testing. Allele origin: germline. Affected: no.
Comment: The variant was identified in at least one patient who was diagnosed with a different variant in another gene and showed no symptoms related to the gene containing the variant in question.

NM_030665.4(RAI1):c.116G>T (p.Ser39Ile)

Gene: RAI1 (retinoic acid induced 1; plus strand). Cytogenetic location: 17p11.2.
Variant type: single nucleotide variant.
Coding change: c.116G>T on transcript NM_030665.4 (MANE Select); coding-DNA position 116, G replaced by T.
Protein change: p.Ser39Ile; replaces serine 39 with isoleucine.
Molecular consequence: missense variant.
Genome position (GRCh38, 1-based): chr17:17,793,064, G>T. VCF-style: chr17-17793064-G-T. GRCh37 (hg19) VCF-style: chr17-17696378-G-T.
Other names: c.116G>T (NM_030665.3); short protein forms S39I.
Identifiers: ClinVar variation 1475952 (VCV001475952.10), dbSNP rs2143001466, ClinGen allele CA398544791.
Genomic context (GRCh38, chr17:17,793,064, plus strand): 5'-AGACCTCGCAGGAAACATCACGCCTAGAGAATTACAGGCAGCCGAGTCAGGCCGGGCTAA[G>T]CTGCGACCGGCAGCGGCTGCTCGCCAAGGACTATTATAACCCGCAGCCTTACCCGAGCTA-3'
Protein context (NP_109590.3, residues 29-49): NYRQPSQAGL[Ser39Ile]CDRQRLLAKD